The following is an entry in ClinVar:

NC_000009.12:g.109167267del

Gene: FRRS1L (ferric chelate reductase 1 like; minus strand). Cytogenetic location: 9q31.3.
Variant type: Deletion.
Genome position: GRCh38 VCF-style: chr9-109167262-AC-A. GRCh37 (hg19) VCF-style: chr9-111929542-AC-A.
Identifiers: ClinVar variation 1997044 (VCV001997044.4), dbSNP rs1285856108, ClinGen allele CA590043867.

ClinVar aggregate classification (germline): Pathogenic (1 of 4 stars; one submission).

Conditions:
Developmental and epileptic encephalopathy, 37 (DEE37). Also called: Epileptic encephalopathy, early infantile, 37. Identifiers: MedGen C4310770, MONDO:0014859, OMIM 616981.

Submission:

Labcorp Genetics (formerly Invitae), Labcorp
Classification: Pathogenic for Developmental and epileptic encephalopathy, 37. Last evaluated: 2025-05-01. Review status: criteria provided, single submitter. Criteria: Invitae Variant Classification Sherloc (09022015). Collection method: clinical testing. Allele origin: germline.
Comment: This sequence change creates a premature translational stop signal (p.Gly10Valfs*62) in the FRRS1L gene. It is expected to result in an absent or disrupted protein product. Loss-of-function variants in FRRS1L are known to be pathogenic (PMID: 27236917). The frequency data for this variant in the population databases is considered unreliable, as metrics indicate poor data quality at this position in the gnomAD database. This variant has not been reported in the literature in individuals affected with FRRS1L-related conditions. ClinVar contains an entry for this variant (Variation ID: 1997044). For these reasons, this variant has been classified as Pathogenic.

Literature cited by the submitters: PubMed 27236917.